The following is an entry in ClinVar:

NM_000548.5(TSC2):c.2184C>A (p.Cys728Ter)

Gene: TSC2 (TSC complex subunit 2; plus strand). Cytogenetic location: 16p13.3.
Variant type: single nucleotide variant.
Coding change: c.2184C>A on transcript NM_000548.5 (MANE Select); coding-DNA position 2184, C replaced by A.
Protein change: p.Cys728Ter; replaces cysteine 728 with a stop codon.
Molecular consequence: nonsense.
Genome position (GRCh38, 1-based): chr16:2,072,327, C>A. VCF-style: chr16-2072327-C-A. GRCh37 (hg19) VCF-style: chr16-2122328-C-A.
Other names: c.2184C>A, p.Cys728Ter (NM_001077183.3, NM_001114382.3, NM_001363528.2 and 3 more transcripts); c.2073C>A, p.Cys691Ter (NM_001318827.2); c.2037C>A, p.Cys679Ter (NM_001318829.2); c.1584C>A, p.Cys528Ter (NM_001318831.2); c.2217C>A, p.Cys739Ter (NM_001318832.2); short protein forms C528*, C679*, C691*, C728*, C739*.
Identifiers: ClinVar variation 1330746 (VCV001330746.7), dbSNP rs1555506557, ClinGen allele CA394274973.

ClinVar aggregate classification (germline): Pathogenic (1 of 4 stars; one submission).

Submission:

ARUP Laboratories, Molecular Genetics and Genomics, ARUP Laboratories
Classification: Pathogenic. Last evaluated: 2021-06-17. Review status: criteria provided, single submitter. Criteria: ARUP Molecular Germline Variant Investigation Process 2021. Collection method: clinical testing. Allele origin: germline.
Comment: The TSC2 c.2184C>A; p.Cys728Ter variant, to our knowledge, is not reported in the medical literature or gene specific databases. This variant is also absent from general population databases (Exome Variant Server, Genome Aggregation Database), indicating it is not a common polymorphism. This variant induces an early termination codon and is predicted to result in a truncated protein or mRNA subject to nonsense-mediated decay. Additionally, other variants that induce an early termination codon in this region have been described in affected individuals (Ding 2020). Based on available information, this variant is classified as pathogenic. References: Ding Y et al. Genotype and Phenotype Analysis of Chinese Children With Tuberous Sclerosis Complex: A Pediatric Cohort Study. Front Genet. 2020 Mar 10;11:204. PMID: 32211034.